The following is an entry in ClinVar:

ClinVar aggregate classification (germline): Uncertain significance (1 of 4 stars; one submission).

Conditions:
Atrial fibrillation, familial, 7 (ATFB7). Identifiers: MedGen C2677106, MONDO:0012828, OMIM 612240.

Submission:

Labcorp Genetics (formerly Invitae), Labcorp
Classification: Uncertain significance for Atrial fibrillation, familial, 7. Last evaluated: 2022-05-05. Review status: criteria provided, single submitter. Criteria: Invitae Variant Classification Sherloc (09022015). Collection method: clinical testing. Allele origin: germline.
Comment: Algorithms developed to predict the effect of missense changes on protein structure and function are either unavailable or do not agree on the potential impact of this missense change (SIFT: "Deleterious"; PolyPhen-2: "Probably Damaging"; Align-GVGD: "Class C0"). This variant is not present in population databases (gnomAD no frequency). This variant has not been reported in the literature in individuals affected with KCNA5-related conditions. In summary, the available evidence is currently insufficient to determine the role of this variant in disease. Therefore, it has been classified as a Variant of Uncertain Significance. This sequence change replaces proline, which is neutral and non-polar, with arginine, which is basic and polar, at codon 188 of the KCNA5 protein (p.Pro188Arg).

NM_002234.4(KCNA5):c.563C>G (p.Pro188Arg)

Gene: KCNA5 (potassium voltage-gated channel subfamily A member 5; plus strand). Cytogenetic location: 12p13.32.
Variant type: single nucleotide variant.
Coding change: c.563C>G on transcript NM_002234.4 (MANE Select); coding-DNA position 563, C replaced by G.
Protein change: p.Pro188Arg; replaces proline 188 with arginine.
Molecular consequence: missense variant.
Genome position (GRCh38, 1-based): chr12:5,044,710, C>G. VCF-style: chr12-5044710-C-G. GRCh37 (hg19) VCF-style: chr12-5153876-C-G.
Other names: short protein forms P188R.
Identifiers: ClinVar variation 1961716 (VCV001961716.5), dbSNP rs1408883560, ClinGen allele CA383464692.